The following is an entry in ClinVar:

ClinVar aggregate classification (germline): Likely benign. Review status: criteria provided, single submitter (1 of 4 stars). 2 submissions from 2 submitters: Likely benign (1). 1 of the submissions does not count toward it. Last evaluated 2026-02-02.

Conditions:
DYNC1I1-related disorder. Also called: DYNC1I1-related condition.

Allele frequency attached by ClinVar (database versions not stated): gnomAD 0.00001; gnomAD exomes 0.00003.
gnomAD v4.1: 44 of 1,603,022 alleles (0.0027%); highest among the groups gnomAD compares: Middle Eastern, 0.58%; no homozygotes.

Submissions (2):

Labcorp Genetics (formerly Invitae), Labcorp
Classification: Likely benign. Last evaluated: 2026-02-02. Review status: criteria provided, single submitter. Criteria: Invitae Variant Classification Sherloc (09022015). Collection method: clinical testing. Allele origin: germline.

PreventionGenetics, part of Exact Sciences
Classification: Likely benign for DYNC1I1-related condition. Last evaluated: 2019-02-21. Review status: no assertion criteria provided. Collection method: clinical testing. Allele origin: germline. Not counted in ClinVar's aggregate classification.
Comment: This variant is classified as likely benign based on ACMG/AMP sequence variant interpretation guidelines (Richards et al. 2015 PMID: 25741868, with internal and published modifications).

NM_001135556.2(DYNC1I1):c.1254T>C (p.Asn418=)

Gene: DYNC1I1 (dynein cytoplasmic 1 intermediate chain 1; plus strand). Cytogenetic location: 7q21.3.
Variant type: single nucleotide variant.
Coding change: c.1254T>C on transcript NM_001135556.2 (MANE Select); coding-DNA position 1254, T replaced by C.
Protein change: p.Asn418=; no amino-acid change (asparagine 418 retained).
Molecular consequence: synonymous variant.
Genome position (GRCh38, 1-based): chr7:96,035,642, T>C. VCF-style: chr7-96035642-T-C. GRCh37 (hg19) VCF-style: chr7-95664954-T-C.
Other names: c.1194T>C, p.Asn398= (NM_001135557.2, NM_001278422.2); c.1245T>C, p.Asn415= (NM_001278421.2); c.1305T>C, p.Asn435= (NM_004411.5).
Identifiers: ClinVar variation 3050061 (VCV003050061.3), dbSNP rs867286355, ClinGen allele CA163507913.